The following is an entry in ClinVar:

ClinVar aggregate classification (germline): Uncertain significance (1 of 4 stars; one submission).

Allele frequency attached by ClinVar (database versions not stated): gnomAD exomes below 0.00001.
gnomAD v4.1: 1 of 1,614,038 alleles (0.000062%); highest among the groups gnomAD compares: Non-Finnish European, 0.000085%; no homozygotes.

Submission:

Labcorp Genetics (formerly Invitae), Labcorp
Classification: Uncertain significance. Last evaluated: 2022-11-02. Review status: criteria provided, single submitter. Criteria: Invitae Variant Classification Sherloc (09022015). Collection method: clinical testing. Allele origin: germline.
Comment: This variant is present in population databases (no rsID available, gnomAD 0.0009%). In summary, the available evidence is currently insufficient to determine the role of this variant in disease. Therefore, it has been classified as a Variant of Uncertain Significance. Algorithms developed to predict the effect of missense changes on protein structure and function output the following: SIFT: "Deleterious"; PolyPhen-2: "Probably Damaging"; Align-GVGD: "Class C0". The arginine amino acid residue is found in multiple mammalian species, which suggests that this missense change does not adversely affect protein function. This variant has not been reported in the literature in individuals affected with PPP1R15B-related conditions. This sequence change replaces cysteine, which is neutral and slightly polar, with arginine, which is basic and polar, at codon 713 of the PPP1R15B protein (p.Cys713Arg).

NM_032833.5(PPP1R15B):c.2137T>C (p.Cys713Arg)

Gene: PPP1R15B (protein phosphatase 1 regulatory subunit 15B; minus strand). Cytogenetic location: 1q32.1.
Variant type: single nucleotide variant.
Coding change: c.2137T>C on transcript NM_032833.5 (MANE Select); coding-DNA position 2137, T replaced by C.
Protein change: p.Cys713Arg; replaces cysteine 713 with arginine.
Molecular consequence: missense variant.
Genome position (GRCh38, 1-based): chr1:204,406,097, A>G on the plus strand (T>C on the coding strand, the complement: PPP1R15B is on the minus strand). VCF-style: chr1-204406097-A-G. GRCh37 (hg19) VCF-style: chr1-204375225-A-G.
Other names: short protein forms C713R.
Identifiers: ClinVar variation 2870212 (VCV002870212.3), dbSNP rs1455659861, ClinGen allele CA344348502.